The following is an entry in ClinVar:

ClinVar aggregate classification (germline): Uncertain significance (1 of 4 stars; one submission).

Conditions:
Transcobalamin II deficiency (TCN2D). Also called: Transcolabamin II deficiency; TC II DEFICIENCY; TCN2 DEFICIENCY. Identifiers: Orphanet 859, MedGen C0342701, MONDO:0010149, OMIM 275350.

Allele frequency attached by ClinVar (database versions not stated): gnomAD exomes 0.00001.
gnomAD v4.1: 3 of 1,614,078 alleles (0.00019%); highest among the groups gnomAD compares: Non-Finnish European, 0.00025%; no homozygotes.

Submission:

Labcorp Genetics (formerly Invitae), Labcorp
Classification: Uncertain significance for Transcobalamin II deficiency. Last evaluated: 2023-10-13. Review status: criteria provided, single submitter. Criteria: Invitae Variant Classification Sherloc (09022015). Collection method: clinical testing. Allele origin: germline.
Comment: This sequence change replaces phenylalanine, which is neutral and non-polar, with valine, which is neutral and non-polar, at codon 211 of the TCN2 protein (p.Phe211Val). This variant is not present in population databases (gnomAD no frequency). This variant has not been reported in the literature in individuals affected with TCN2-related conditions. ClinVar contains an entry for this variant (Variation ID: 1958524). An algorithm developed to predict the effect of missense changes on protein structure and function (PolyPhen-2) suggests that this variant is likely to be disruptive. In summary, the available evidence is currently insufficient to determine the role of this variant in disease. Therefore, it has been classified as a Variant of Uncertain Significance.

NM_000355.4(TCN2):c.631T>G (p.Phe211Val)

Gene: TCN2 (transcobalamin 2; plus strand). Cytogenetic location: 22q12.2.
Variant type: single nucleotide variant.
Coding change: c.631T>G on transcript NM_000355.4 (MANE Select); coding-DNA position 631, T replaced by G.
Protein change: p.Phe211Val; replaces phenylalanine 211 with valine.
Molecular consequence: missense variant.
Genome position (GRCh38, 1-based): chr22:30,615,351, T>G. VCF-style: chr22-30615351-T-G. GRCh37 (hg19) VCF-style: chr22-31011338-T-G.
Other names: c.550T>G, p.Phe184Val (NM_001184726.2); short protein forms F211V, F184V.
Identifiers: ClinVar variation 1958524 (VCV001958524.5), dbSNP rs1327719258, ClinGen allele CA411212296.